The following is an entry in ClinVar:

ClinVar aggregate classification (germline): Likely benign. Review status: criteria provided, multiple submitters, no conflicts (2 of 4 stars). 2 submissions from 2 submitters: Likely benign (2). Last evaluated 2026-02-01.

Allele frequency attached by ClinVar (database versions not stated): ExAC 0.00004; gnomAD exomes 0.00004; TOPMed 0.00004; ESP Exome Variant Server 0.00008.
gnomAD v4.1: 75 of 1,613,370 alleles (0.0046%); highest among the groups gnomAD compares: Non-Finnish European, 0.0055%; no homozygotes.

Submissions (2):

CeGaT Center for Human Genetics Tuebingen
Classification: Likely benign. Last evaluated: 2026-02-01. Review status: criteria provided, single submitter. Criteria: CeGaT Center For Human Genetics Tuebingen Variant Classification Criteria Version 2. Collection method: clinical testing. Allele origin: germline. Affected: yes. Observed: 3 variant alleles.
Comment: ADSS1: BP4, BP7

Labcorp Genetics (formerly Invitae), Labcorp
Classification: Likely benign. Last evaluated: 2025-09-16. Review status: criteria provided, single submitter. Criteria: Invitae Variant Classification Sherloc (09022015). Collection method: clinical testing. Allele origin: germline.

NM_152328.5(ADSS1):c.879C>T (p.Asp293=)

Gene: ADSS1 (adenylosuccinate synthase 1; plus strand). Cytogenetic location: 14q32.33.
Variant type: single nucleotide variant.
Coding change: c.879C>T on transcript NM_152328.5 (MANE Select); coding-DNA position 879, C replaced by T.
Protein change: p.Asp293=; no amino-acid change (aspartic acid 293 retained).
Molecular consequence: synonymous variant.
Genome position (GRCh38, 1-based): chr14:104,741,933, C>T. VCF-style: chr14-104741933-C-T. GRCh37 (hg19) VCF-style: chr14-105208270-C-T.
Other names: c.264C>T, p.Asp88= (NM_001320424.1); c.1008C>T, p.Asp336= (NM_199165.2).
Identifiers: ClinVar variation 1681978 (VCV001681978.33), dbSNP rs148388939, ClinGen allele CA7373909.